The following is an entry in ClinVar:

ClinVar aggregate classification (germline): Pathogenic/Likely pathogenic. Review status: criteria provided, multiple submitters, no conflicts (2 of 4 stars). 4 submissions from 4 submitters: Pathogenic (2); Likely pathogenic (2). Last evaluated 2025-09-04.

Conditions:
Joubert syndrome 7 (JBTS7). Identifiers: Orphanet 220497, MedGen C1969053, MONDO:0012694, OMIM 611560.
Meckel syndrome, type 5 (MKS5). Identifiers: Orphanet 564, MedGen C1969052, MONDO:0012695, OMIM 611561.
COACH syndrome 3. Identifiers: MedGen C5436841, MONDO:0030862, OMIM 619113.
Joubert syndrome. Also called: Familial aplasia of the vermis; CEREBELLOPARENCHYMAL DISORDER IV; JOUBERT-BOLTSHAUSER SYNDROME. Identifiers: Orphanet 475, MedGen C5979921, MONDO:0018772.
Meckel-Gruber syndrome. Also called: Dysencephalia splachnocystica; DYSENCEPHALIA SPLANCHNOCYSTICA; GRUBER SYNDROME. Identifiers: Orphanet 564, MedGen C0265215, MONDO:0018921.

Allele frequency attached by ClinVar (database versions not stated): gnomAD exomes below 0.00001; gnomAD 0.00001.
gnomAD v4.1: 2 of 1,613,876 alleles (0.00012%); highest among the groups gnomAD compares: African/African-American, 0.0027%; no homozygotes.

Submissions (4):

Institute of Human Genetics, Cologne University
Classification: Pathogenic for Joubert syndrome 7. Last evaluated: 2025-09-04. Review status: criteria provided, single submitter. Criteria: ACMG Guidelines, 2015. Collection method: clinical testing. Allele origin: germline.

Natera, Inc.
Classification: Likely pathogenic for Joubert syndrome. Last evaluated: 2024-06-06. Review status: criteria provided, single submitter. Criteria: Natera Variant Classification Schema (03/2026). Collection method: clinical testing. Allele origin: germline.
Comment: The c.1645G>T variant in RPGRIP1L is a nonsense variant predicted to introduce a stop codon at amino acid 549. This variant is expected to result in nonsense mediated decay, truncation, or a dysfunctional protein product. This variant is rare in the general population with a frequency below the threshold expected for the associated phenotype(s). Given the available evidence, this variant is classified as Likely Pathogenic.

Fulgent Genetics
Classification: Likely pathogenic for Joubert syndrome 7; Meckel syndrome, type 5; COACH syndrome 3. Last evaluated: 2024-02-14. Review status: criteria provided, single submitter. Criteria: ACMG Guidelines, 2015. Collection method: clinical testing. Allele origin: germline.

Labcorp Genetics (formerly Invitae), Labcorp
Classification: Pathogenic for Joubert syndrome; Meckel-Gruber syndrome. Last evaluated: 2023-04-03. Review status: criteria provided, single submitter. Criteria: Invitae Variant Classification Sherloc (09022015). Collection method: clinical testing. Allele origin: germline.
Comment: This sequence change creates a premature translational stop signal (p.Glu549*) in the RPGRIP1L gene. It is expected to result in an absent or disrupted protein product. Loss-of-function variants in RPGRIP1L are known to be pathogenic (PMID: 17558409). This variant is not present in population databases (gnomAD no frequency). This variant has not been reported in the literature in individuals affected with RPGRIP1L-related conditions. ClinVar contains an entry for this variant (Variation ID: 1071605). For these reasons, this variant has been classified as Pathogenic.

Literature cited by the submitters: PubMed 17558409 (cited by Labcorp Genetics (formerly Invitae), Labcorp).

NM_015272.5(RPGRIP1L):c.1645G>T (p.Glu549Ter)

Gene: RPGRIP1L (RPGRIP1 like; minus strand). Cytogenetic location: 16q12.2.
Variant type: single nucleotide variant.
Coding change: c.1645G>T on transcript NM_015272.5 (MANE Select); coding-DNA position 1645, G replaced by T.
Protein change: p.Glu549Ter; replaces glutamic acid 549 with a stop codon.
Molecular consequence: nonsense.
Genome position (GRCh38, 1-based): chr16:53,656,526, C>A on the plus strand (G>T on the coding strand, the complement: RPGRIP1L is on the minus strand). VCF-style: chr16-53656526-C-A. GRCh37 (hg19) VCF-style: chr16-53690438-C-A.
Other names: c.1645G>T (NM_015272.4); c.1645G>T, p.Glu549Ter (NM_001127897.4, NM_001308334.3, NM_001330538.2); short protein forms E549*.
Identifiers: ClinVar variation 1071605 (VCV001071605.12), dbSNP rs1676833644, ClinGen allele CA395918201.